The following is an entry in ClinVar:

NC_000016.10:g.(?_28486327)_(28486670_?)del

Gene: CLN3 (CLN3 lysosomal/endosomal transmembrane protein, battenin; minus strand). Cytogenetic location: 16p12.1.
Variant type: Deletion.
Identifiers: ClinVar variation 457935 (VCV000457935.8).

ClinVar aggregate classification (germline): Pathogenic (1 of 4 stars; one submission).

Conditions:
Neuronal ceroid lipofuscinosis. Also called: Neuronal Ceroid Lipofuscinoses. Identifiers: Orphanet 216, Orphanet 79263, MedGen C0027877, MONDO:0016295. Disease mechanism: loss of function.

Submission:

Labcorp Genetics (formerly Invitae), Labcorp
Classification: Pathogenic for Neuronal ceroid lipofuscinosis. Last evaluated: 2024-01-31. Review status: criteria provided, single submitter. Criteria: Invitae Variant Classification Sherloc (09022015). Collection method: clinical testing. Allele origin: germline.
Comment: This variant is a gross deletion of the genomic region encompassing exon(s) 8-9 of the CLN3 gene. This deletion is out-of-frame, and is expected to create a premature termination codon and result in an absent or disrupted protein product. Loss-of-function variants in CLN3 are known to be pathogenic (PMID: 9311735, 28542676). A similar copy number variant has been observed in individuals with juvenile neuronal ceroid lipofuscinosis, also known as Batten disease, and accounts for between 81-85% of all disease-causing alleles. (PMID: 7553855, 20187884, 21228398, 21990111, 23374165). This variant is also known as deletion of exons 7-8. Algorithms developed to predict the effect of variants on protein structure and function are not available or were not evaluated for this variant. Experimental studies have shown that a similar copy number variant affects CLN3 function (PMID: 10332042, 17947292, 19132115). For these reasons, this variant has been classified as Pathogenic.

Literature cited by the submitters: PubMed 9311735; PubMed 28542676; PubMed 7553855; PubMed 20187884; PubMed 21228398; PubMed 21990111; PubMed 23374165; PubMed 10332042; PubMed 17947292; PubMed 19132115.